The following is an entry in ClinVar:

NM_000158.4(GBE1):c.1643G>A (p.Trp548Ter)

Gene: GBE1 (1,4-alpha-glucan branching enzyme 1; minus strand). Cytogenetic location: 3p12.2.
Variant type: single nucleotide variant.
Coding change: c.1643G>A on transcript NM_000158.4 (MANE Select); coding-DNA position 1643, G replaced by A.
Protein change: p.Trp548Ter; replaces tryptophan 548 with a stop codon.
Molecular consequence: nonsense.
Genome position (GRCh38, 1-based): chr3:81,537,071, C>T on the plus strand (G>A on the coding strand, the complement: GBE1 is on the minus strand). VCF-style: chr3-81537071-C-T. GRCh37 (hg19) VCF-style: chr3-81586222-C-T.
Other names: NM_000158.4(GBE1):c.1643G>A; p.Trp548Ter; c.1643G>A; c.1643G>A (NM_000158.3); short protein forms W548*.
Identifiers: ClinVar variation 2793 (VCV000002793.8), dbSNP rs137852894, ClinGen allele CA115767.

ClinVar aggregate classification (germline): Pathogenic. Review status: criteria provided, multiple submitters, no conflicts (2 of 4 stars). 5 submissions from 5 submitters: Pathogenic (3). 2 of the submissions do not count toward it. Last evaluated 2025-11-16.

Conditions:
Glycogen storage disease, type IV (GSD4). Also called: GBE1 DEFICIENCY; GLYCOGEN BRANCHING ENZYME DEFICIENCY; GLYCOGENOSIS IV; GSD IV; Glycogen storage disease due to glycogen branching enzyme deficiency; AMYLOPECTINOSIS. Identifiers: Orphanet 367, MedGen C0017923, MONDO:0009292, OMIM 232500.
Glycogen storage disease due to glycogen branching enzyme deficiency, congenital neuromuscular form. Also called: GSD IV, NEUROMUSCULAR FORM, CONGENITAL; GLYCOGEN STORAGE DISEASE IV, CONGENITAL NEUROMUSCULAR. Identifiers: Orphanet 308670, MedGen C1856304, MONDO:0017698.

Allele frequency attached by ClinVar (database versions not stated): gnomAD exomes below 0.00001 and 0.00001; ExAC 0.00001.
gnomAD v4.1: 2 of 1,545,246 alleles (0.00013%); highest among the groups gnomAD compares: South Asian, 0.0026%; no homozygotes.

Submissions (5):

Natera, Inc.
Classification: Pathogenic for Glycogen storage disease type IV. Last evaluated: 2025-11-16. Review status: criteria provided, single submitter. Criteria: Natera Variant Classification Schema (03/2026). Collection method: clinical testing. Allele origin: germline.
Comment: The c.1643G>A variant in GBE1 is a nonsense variant predicted to introduce a stop codon at amino acid 548. This variant is expected to result in nonsense mediated decay, truncation, or a dysfunctional protein product. This variant is rare in the general population with a frequency below the threshold expected for the associated phenotype(s). This variant has been observed in one or more individuals affected with the associated recessive disease, as either homozygous or compound heterozygous with a second variant (PMID: 17662246). Given the available evidence, this variant is classified as Pathogenic.

Myriad Genetics, Inc.
Classification: Pathogenic for Glycogen storage disease, type IV. Last evaluated: 2024-05-14. Review status: criteria provided, single submitter. Criteria: Myriad Autosomal Dominant, Autosomal Recessive and X-Linked Classification Criteria (2023). Collection method: clinical testing. Allele origin: unknown.
Comment: NM_000158.3(GBE1):c.1643G>A(W548*) is expected to be pathogenic in the context of glycogen storage disease, GBE1-related. This variant is predicted to lead to an abnormal or absent protein product due to the creation of a premature termination codon in GBE1, a gene where loss-of-function variants are known to be pathogenic. Please note: this variant was assessed in the context of healthy population screening.

Broad Center for Mendelian Genomics, Broad Institute of MIT and Harvard
Classification: Pathogenic for Glycogen storage disease, type IV. Last evaluated: 2022-01-27. Review status: criteria provided, single submitter. Criteria: ACMG Guidelines, 2015. Collection method: curation. Allele origin: germline. Inheritance: Autosomal recessive inheritance.
Comment: The p.Trp548Ter variant in GBE1 has been reported in 1 individual, in the homozygous state, with glycogen storage disease type IV (GSD IV) (PMID: 1766224) and has been identified in 0.009% (1/11570) of East Asian chromosomes by the Genome Aggregation Database (gnomAD; dbSNP ID: rs137852894). Although this variant has been seen in the general population in a heterozygous state, its frequency is low enough to be consistent with a recessive carrier frequency. This variant has also been reported in ClinVar (Variation ID#: 2793) and has been interpreted as pathogenic by OMIM and GeneReviews. In vitro functional studies provide some evidence that the p.Trp548Ter variant may impact protein function (PMID: 1766224). However, these types of assays may not accurately represent biological function. This nonsense variant leads to a premature termination codon at position 548, which is predicted to lead to a truncated or absent protein. Loss of function of the GBE1 gene is an established disease mechanism in autosomal recessive GSD IV. In summary, although additional studies are required to fully establish its clinical significance, this variant is likely pathogenic for GSD IV. ACMG/AMP Criteria applied: PVS1_strong, PM2_supporting, PS3_moderate, PM3_supporting (Richards 2015).

GeneReviews
Classification: Pathogenic for Adult Polyglucosan Body Disease. Last evaluated: 2009-04-02. Review status: no assertion criteria provided. Collection method: curation. Allele origin: unknown. Not counted in ClinVar's aggregate classification.
ClinVar note: Converted during submission from pathologic to Pathogenic.

OMIM
Classification: Pathogenic for GLYCOGEN STORAGE DISEASE IV, CONGENITAL NEUROMUSCULAR. Last evaluated: 2007-09-21. Review status: no assertion criteria provided. Collection method: literature only. Allele origin: germline. Not counted in ClinVar's aggregate classification.

Literature cited by the submitters: PubMed 17662246 (cited by Natera, Inc. and OMIM).